The following is an entry in ClinVar:

ClinVar aggregate classification (germline): Likely benign (0 of 4 stars; one submission).

Conditions:
EPPK1-related disorder. Also called: EPPK1-related condition.

Allele frequency attached by ClinVar (database versions not stated): 1000 Genomes Project 30x 0.00062; 1000 Genomes Project 0.00100; TOPMed 0.00184; gnomAD 0.00190; ExAC 0.00243; ESP Exome Variant Server 0.00274; gnomAD exomes 0.00322.
gnomAD v4.1: 4,954 of 1,612,800 alleles (0.31%); highest among the groups gnomAD compares: Non-Finnish European, 0.38%; 13 homozygotes.

Submission:

PreventionGenetics, part of Exact Sciences
Classification: Likely benign for EPPK1-related condition. Last evaluated: 2022-04-29. Review status: no assertion criteria provided. Collection method: clinical testing. Allele origin: germline.
Comment: This variant is classified as likely benign based on ACMG/AMP sequence variant interpretation guidelines (Richards et al. 2015 PMID: 25741868, with internal and published modifications).

NM_031308.4(EPPK1):c.6193T>A (p.Tyr2065Asn)

Gene: EPPK1 (epiplakin 1; minus strand). Cytogenetic location: 8q24.3.
Variant type: single nucleotide variant.
Coding change: c.6193T>A on transcript NM_031308.4 (MANE Select); coding-DNA position 6193, T replaced by A.
Protein change: p.Tyr2065Asn; replaces tyrosine 2065 with asparagine.
Molecular consequence: missense variant.
Genome position (GRCh38, 1-based): chr8:143,867,061, A>T on the plus strand (T>A on the coding strand, the complement: EPPK1 is on the minus strand). VCF-style: chr8-143867061-A-T. GRCh37 (hg19) VCF-style: chr8-144941229-A-T.
Other names: short protein forms Y2065N.
Identifiers: ClinVar variation 3034593 (VCV003034593.2), dbSNP rs144123426, ClinGen allele CA4921872.